The following is an entry in ClinVar:

ClinVar aggregate classification (germline): Uncertain significance (1 of 4 stars; one submission).

Conditions:
Anemia, nonspherocytic hemolytic, due to G6PD deficiency (CNSHA1). Also called: Class I glucose-6-phosphate dehydrogenase deficiency; Favism, susceptibility to; ANEMIA, CONGENITAL, NONSPHEROCYTIC HEMOLYTIC, 1; Hemolytic anemia due to G6PD deficiency. Identifiers: Orphanet 466026, MedGen C2720289, MONDO:0010480, OMIM 300908.

Submission:

Labcorp Genetics (formerly Invitae), Labcorp
Classification: Uncertain significance for Anemia, nonspherocytic hemolytic, due to G6PD deficiency. Last evaluated: 2022-06-12. Review status: criteria provided, single submitter. Criteria: Invitae Variant Classification Sherloc (09022015). Collection method: clinical testing. Allele origin: germline.
Comment: This variant is not present in population databases (gnomAD no frequency). In summary, the available evidence is currently insufficient to determine the role of this variant in disease. Therefore, it has been classified as a Variant of Uncertain Significance. Advanced modeling of protein sequence and biophysical properties (such as structural, functional, and spatial information, amino acid conservation, physicochemical variation, residue mobility, and thermodynamic stability) performed at Invitae indicates that this missense variant is expected to disrupt G6PD protein function. This variant has not been reported in the literature in individuals affected with G6PD-related conditions. This sequence change replaces glutamine, which is neutral and polar, with arginine, which is basic and polar, at codon 195 of the G6PD protein (p.Gln195Arg).

NM_001360016.2(G6PD):c.584A>G (p.Gln195Arg)

Gene: G6PD (glucose-6-phosphate dehydrogenase; minus strand). Cytogenetic location: Xq28.
Variant type: single nucleotide variant.
Coding change: c.584A>G on transcript NM_001360016.2 (MANE Select); coding-DNA position 584, A replaced by G.
Protein change: p.Gln195Arg; replaces glutamine 195 with arginine.
Molecular consequence: missense variant.
Genome position (GRCh38, 1-based): chrX:154,534,398, T>C on the plus strand (A>G on the coding strand, the complement: G6PD is on the minus strand). VCF-style: chrX-154534398-T-C. GRCh37 (hg19) VCF-style: chrX-153762613-T-C.
Other names: c.674A>G, p.Gln225Arg (NM_000402.4); c.584A>G, p.Gln195Arg (NM_001042351.3); short protein forms Q225R, Q195R.
Identifiers: ClinVar variation 2005167 (VCV002005167.4), dbSNP rs2523268000, ClinGen allele CA415237883.
Genomic context (GRCh38, chrX:154,534,398, plus strand): 5'-CTCAGCACCATGAGGTTCTGCACCATCTCCTTGCCCAGGTAGTGGTCGATGCGGTAGATC[T>C]GGTCCTCACGGAACAGGGAGGAGATGTGGTTGGACAGCCGGTCAGAGCTCTGCAGGTCCC-3'
Protein context (NP_001346945.1, residues 185-205): NHISSLFRED[Gln195Arg]IYRIDHYLGK